The following is an entry in ClinVar:

ClinVar aggregate classification (germline): Benign (1 of 4 stars; one submission).

Allele frequency attached by ClinVar (database versions not stated): 1000 Genomes Project 0.06030; 1000 Genomes Project 30x 0.06090; gnomAD 0.07801 and 0.08006; TOPMed 0.07987.
gnomAD v4.1: 11,891 of 152,214 alleles (7.8%); highest among the groups gnomAD compares: Non-Finnish European, 8.8%; 472 homozygotes.

Submission:

GeneDx
Classification: Benign. Last evaluated: 2018-06-16. Review status: criteria provided, single submitter. Criteria: GeneDx Variant Classification (06012015). Collection method: clinical testing. Allele origin: germline. Affected: yes.
Comment: This variant is considered likely benign or benign based on one or more of the following criteria: it is a conservative change, it occurs at a poorly conserved position in the protein, it is predicted to be benign by multiple in silico algorithms, and/or has population frequency not consistent with disease.

NM_025114.4(CEP290):c.4705-257A>G

Gene: CEP290 (centrosomal protein 290; minus strand). Cytogenetic location: 12q21.32.
Variant type: single nucleotide variant.
Coding change: c.4705-257A>G on transcript NM_025114.4 (MANE Select); 257 bases into the intron before coding-DNA position 4705, A replaced by G.
Molecular consequence: intron variant.
Genome position (GRCh38, 1-based): chr12:88,084,211, T>C on the plus strand (A>G on the coding strand, the complement: CEP290 is on the minus strand). VCF-style: chr12-88084211-T-C. GRCh37 (hg19) VCF-style: chr12-88477988-T-C.
Identifiers: ClinVar variation 673542 (VCV000673542.1), dbSNP rs11104732, ClinGen allele CA241157775.